The following is an entry in ClinVar:

NM_001354483.2(CSGALNACT1):c.74C>G (p.Ala25Gly)

Gene: CSGALNACT1 (chondroitin sulfate N-acetylgalactosaminyltransferase 1; minus strand). Cytogenetic location: 8p21.3.
Variant type: single nucleotide variant.
Coding change: c.74C>G on transcript NM_001354483.2 (MANE Select); coding-DNA position 74, C replaced by G.
Protein change: p.Ala25Gly; replaces alanine 25 with glycine.
Molecular consequence: missense variant. On other transcripts: non-coding transcript variant (7).
Genome position (GRCh38, 1-based): chr8:19,505,761, G>C on the plus strand (C>G on the coding strand, the complement: CSGALNACT1 is on the minus strand). VCF-style: chr8-19505761-G-C. GRCh37 (hg19) VCF-style: chr8-19363272-G-C.
Other names: c.74C>G, p.Ala25Gly (NM_001354492.2, NM_001354494.2, NM_001354495.2 and 18 more transcripts); short protein forms A25G.
Identifiers: ClinVar variation 1391273 (VCV001391273.4), dbSNP rs201280482, ClinGen allele CA173304388.
Genomic context (GRCh38, chr8:19,505,761, plus strand): 5'-AGTGCCAGCTGCTCCTCGTCACCTTTTGGGGTGCAGGCCAACATGTACAGGACAGAGATA[G>C]CACAGCAGAGGAGCACCAGCAAAACCACCACCCGGGAAATCCACGCAAGCAGCCCCCGGC-3'
Protein context (NP_001341412.1, residues 15-35): VVVLLVLLCC[Ala25Gly]ISVLYMLACT

ClinVar aggregate classification (germline): Uncertain significance (1 of 4 stars; one submission).

Allele frequency attached by ClinVar (database versions not stated): gnomAD exomes below 0.00001; gnomAD 0.00001; TOPMed 0.00003.
gnomAD v4.1: 6 of 1,613,988 alleles (0.00037%); highest among the groups gnomAD compares: African/African-American, 0.0027%; no homozygotes.

Submission:

Labcorp Genetics (formerly Invitae), Labcorp
Classification: Uncertain significance. Last evaluated: 2021-08-11. Review status: criteria provided, single submitter. Criteria: Invitae Variant Classification Sherloc (09022015). Collection method: clinical testing. Allele origin: germline.
Comment: This sequence change replaces alanine with glycine at codon 25 of the CSGALNACT1 protein (p.Ala25Gly). The alanine residue is moderately conserved and there is a small physicochemical difference between alanine and glycine. This variant is not present in population databases (ExAC no frequency). This variant has not been reported in the literature in individuals affected with CSGALNACT1-related conditions. Algorithms developed to predict the effect of missense changes on protein structure and function (SIFT, PolyPhen-2, Align-GVGD) all suggest that this variant is likely to be tolerated. Algorithms developed to predict the effect of sequence changes on RNA splicing suggest that this variant may create or strengthen a splice site. In summary, the available evidence is currently insufficient to determine the role of this variant in disease. Therefore, it has been classified as a Variant of Uncertain Significance.